The following is an entry in ClinVar:

NM_001037333.3(CYFIP2):c.884T>C (p.Ile295Thr)

Gene: CYFIP2 (cytoplasmic FMR1 interacting protein 2; plus strand). Cytogenetic location: 5q33.3.
Variant type: single nucleotide variant.
Coding change: c.884T>C on transcript NM_001037333.3 (MANE Select); coding-DNA position 884, T replaced by C.
Protein change: p.Ile295Thr; replaces isoleucine 295 with threonine.
Molecular consequence: missense variant.
Genome position (GRCh38, 1-based): chr5:157,307,849, T>C. VCF-style: chr5-157307849-T-C. GRCh37 (hg19) VCF-style: chr5-156734857-T-C.
Other names: c.806T>C, p.Ile269Thr (NM_001291721.2); c.884T>C, p.Ile295Thr (NM_001291722.2, NM_014376.4); short protein forms I269T, I295T.
Identifiers: ClinVar variation 4773029 (VCV004773029.1).
Genomic context (GRCh38, chr5:157,307,849, plus strand): 5'-ATGGAAATGTCAGTAACATTTACAAACTGGATGCCAAGAAGAGAATTAATCTTAGCAAAA[T>C]TGATAAATTCTTTAAGGTCAGCAACTGGGGCTGGGGCTGGGCAGAGGGCTGAGGTTACCA-3'
Protein context (NP_001032410.1, residues 285-305): DAKKRINLSK[Ile295Thr]DKFFKQLQVV

ClinVar aggregate classification (germline): Uncertain significance (1 of 4 stars; one submission).

gnomAD v4.1: 2 of 1,601,574 alleles (0.00012%); highest among the groups gnomAD compares: Non-Finnish European, 0.00017%; no homozygotes.

Submission:

Labcorp Genetics (formerly Invitae), Labcorp
Classification: Uncertain significance. Last evaluated: 2025-11-17. Review status: criteria provided, single submitter. Criteria: Invitae Variant Classification Sherloc (09022015). Collection method: clinical testing. Allele origin: germline.
Comment: This sequence change replaces isoleucine, which is neutral and non-polar, with threonine, which is neutral and polar, at codon 295 of the CYFIP2 protein (p.Ile295Thr). The frequency data for this variant in the population databases is considered unreliable, as metrics indicate poor data quality at this position in the gnomAD database. This variant has not been reported in the literature in individuals affected with CYFIP2-related conditions. Experimental studies and prediction algorithms are not available or were not evaluated, and the functional significance of this variant is currently unknown. In summary, the available evidence is currently insufficient to determine the role of this variant in disease. Therefore, it has been classified as a Variant of Uncertain Significance.